The following is an entry in ClinVar:

NM_006912.6(RIT1):c.401A>T (p.Asn134Ile)

Gene: RIT1 (Ras like without CAAX 1; minus strand). Cytogenetic location: 1q22.
Variant type: single nucleotide variant.
Coding change: c.401A>T on transcript NM_006912.6 (MANE Select); coding-DNA position 401, A replaced by T.
Protein change: p.Asn134Ile; replaces asparagine 134 with isoleucine.
Molecular consequence: missense variant.
Genome position (GRCh38, 1-based): chr1:155,904,339, T>A on the plus strand (A>T on the coding strand, the complement: RIT1 is on the minus strand). VCF-style: chr1-155904339-T-A. GRCh37 (hg19) VCF-style: chr1-155874130-T-A.
Other names: c.293A>T, p.Asn98Ile (NM_001256820.2); c.452A>T, p.Asn151Ile (NM_001256821.2); short protein forms N151I, N98I, N134I.
Identifiers: ClinVar variation 3633616 (VCV003633616.2).

ClinVar aggregate classification (germline): Uncertain significance (1 of 4 stars; one submission).

Conditions:
Noonan syndrome 8 (NS8). Identifiers: Orphanet 648, MedGen C3809233, MONDO:0014143, OMIM 615355.

Submission:

Labcorp Genetics (formerly Invitae), Labcorp
Classification: Uncertain significance for Noonan syndrome 8. Last evaluated: 2024-09-08. Review status: criteria provided, single submitter. Criteria: Invitae Variant Classification Sherloc (09022015). Collection method: clinical testing. Allele origin: germline.
Comment: This sequence change replaces asparagine, which is neutral and polar, with isoleucine, which is neutral and non-polar, at codon 134 of the RIT1 protein (p.Asn134Ile). This variant is not present in population databases (gnomAD no frequency). This variant has not been reported in the literature in individuals affected with RIT1-related conditions. Invitae Evidence Modeling of protein sequence and biophysical properties (such as structural, functional, and spatial information, amino acid conservation, physicochemical variation, residue mobility, and thermodynamic stability) indicates that this missense variant is expected to disrupt RIT1 protein function with a positive predictive value of 95%. In summary, the available evidence is currently insufficient to determine the role of this variant in disease. Therefore, it has been classified as a Variant of Uncertain Significance.